The following is an entry in ClinVar:

NM_015275.3(WASHC4):c.2556dup (p.Phe853fs)

Gene: WASHC4 (WASH complex subunit 4; plus strand). Cytogenetic location: 12q23.3.
Variant type: Duplication.
Coding change: c.2556dup on transcript NM_015275.3 (MANE Select); coding-DNA position 2556, one base duplicated (A; older notation c.2556dupA).
Protein change: p.Phe853fs; shifts the reading frame from phenylalanine 853.
Molecular consequence: frameshift variant.
Genome position (GRCh38, 1-based): chr12:105,149,656, A duplicated. VCF-style (leftmost placement, unchanged base first): chr12-105149655-T-TA. GRCh37 (hg19) VCF-style: chr12-105543433-T-TA.
Other names: c.2559dup, p.Phe854fs (NM_001293640.2); short protein forms F853fs, F854fs.
Identifiers: ClinVar variation 4531378 (VCV004531378.1).
Genomic context (GRCh38, chr12:105,149,655, plus strand): 5'-TTTGAATTTTAATTTTATAGGTTAATTTCACCTACCAGTTTTTGAAAAAGAAGTTCTATA[T>TA]ATTTAGCCAATTTATGTATGATGAACACATCAAATCCAGATTGATTAAAGATATTCGATT-3'

ClinVar aggregate classification (germline): Likely pathogenic (1 of 4 stars; one submission).

Conditions:
Intellectual developmental disorder, autosomal recessive 43. Also called: Intellectual disability, autosomal recessive 43. Identifiers: Orphanet 88616, MedGen C4014386, MONDO:0014354, OMIM 615817.

Submission:

Victorian Clinical Genetics Services, Murdoch Childrens Research Institute
Classification: Likely pathogenic for Intellectual developmental disorder, autosomal recessive 43. Last evaluated: 2025-01-15. Review status: criteria provided, single submitter. Criteria: ACMG Guidelines, 2015. Collection method: clinical testing. Allele origin: germline. Affected: yes.
Comment: This variant is classified as Likely pathogenic. Evidence in support of pathogenic classification: Variant is predicted to cause nonsense-mediated decay (NMD) and loss of protein (premature termination codon is located at least 54 nucleotides upstream of the final exon-exon junction); Variant is present in gnomAD <0.01 for a recessive condition (v4: 16 heterozygote(s), 0 homozygote(s)). Additional information: This variant is heterozygous; This gene is associated with autosomal recessive disease; This variant has no previous evidence of pathogenicity; No published segregation evidence has been identified for this variant; No published functional evidence has been identified for this variant; Other NMD-predicted variant(s) comparable to the one identified in this case have inconclusive previous evidence for pathogenicity. NMD-predicted variants have been classified as VUS and likely pathogenic in ClinVar. However, majority of these variants have not been observed in trans with a pathogenic WASHC4 variant (personal communications). In addition, a single NMD-predicted variant, p.(Gln442*), has been reported in the literature, along with p.(Asp1048Gly), in two compound heterozygous siblings with syndromic intellectual disability (PMID: 31953988); Loss of function is a known mechanism of disease in this gene and is associated with intellectual developmental disorder, autosomal recessive 43 (MIM#615817).

Literature cited by the submitters: PubMed 31953988.